The following is an entry in ClinVar:

ClinVar aggregate classification (germline): Likely pathogenic (1 of 4 stars; one submission).

Conditions:
Medium-chain acyl-coenzyme A dehydrogenase deficiency (ACADMD). Also called: ACADM DEFICIENCY; CARNITINE DEFICIENCY SECONDARY TO MEDIUM-CHAIN ACYL-CoA DEHYDROGENASE DEFICIENCY; Medium chain acyl-CoA dehydrogenase deficiency; MCADH DEFICIENCY; MCADD; MCAD Deficiency. Identifiers: Orphanet 42, MedGen C0220710, MONDO:0008721, OMIM 201450.

Submission:

Labcorp Genetics (formerly Invitae), Labcorp
Classification: Likely pathogenic for Medium-chain acyl-coenzyme A dehydrogenase deficiency. Last evaluated: 2024-09-16. Review status: criteria provided, single submitter. Criteria: Invitae Variant Classification Sherloc (09022015). Collection method: clinical testing. Allele origin: germline.
Comment: This sequence change replaces aspartic acid, which is acidic and polar, with glycine, which is neutral and non-polar, at codon 68 of the ACADM protein (p.Asp68Gly). This variant is not present in population databases (gnomAD no frequency). This missense change has been observed in individual(s) with medium-chain acyl-coenzyme A dehydrogenase deficiency (internal data). In at least one individual the data is consistent with being in trans (on the opposite chromosome) from a pathogenic variant. Invitae Evidence Modeling of protein sequence and biophysical properties (such as structural, functional, and spatial information, amino acid conservation, physicochemical variation, residue mobility, and thermodynamic stability) indicates that this missense variant is expected to disrupt ACADM protein function with a positive predictive value of 80%. Algorithms developed to predict the effect of sequence changes on RNA splicing suggest that this variant may create or strengthen a splice site. In summary, the currently available evidence indicates that the variant is pathogenic, but additional data are needed to prove that conclusively. Therefore, this variant has been classified as Likely Pathogenic.

NM_000016.6(ACADM):c.203A>G (p.Asp68Gly)

Gene: ACADM (acyl-CoA dehydrogenase medium chain; plus strand). Cytogenetic location: 1p31.1.
Variant type: single nucleotide variant.
Coding change: c.203A>G on transcript NM_000016.6 (MANE Select); coding-DNA position 203, A replaced by G.
Protein change: p.Asp68Gly; replaces aspartic acid 68 with glycine.
Molecular consequence: missense variant. On other transcripts: 5 prime UTR variant (1).
Genome position (GRCh38, 1-based): chr1:75,732,728, A>G. VCF-style: chr1-75732728-A-G. GRCh37 (hg19) VCF-style: chr1-76198413-A-G.
Other names: c.215A>G, p.Asp72Gly (NM_001127328.3); c.95A>G, p.Asp32Gly (NM_001286042.2); c.203A>G, p.Asp68Gly (NM_001286043.2); c.-183A>G (NM_001286044.2); short protein forms D68G, D32G, D72G.
Identifiers: ClinVar variation 3656657 (VCV003656657.2).
Genomic context (GRCh38, chr1:75,732,728, plus strand): 5'-TTCAAGCTACTGCTCGTAAATTTGCCAGAGAGGAAATCATCCCAGTGGCTGCAGAATATG[A>G]TAAAACTGGTGAAGTAGGTATATACATTTTAAAGAGGGAAAAATCTTTTACATTTTTTAC-3'
Protein context (NP_000007.1, residues 58-78): EEIIPVAAEY[Asp68Gly]KTGEYPVPLI